The following is an entry in ClinVar:

ClinVar aggregate classification (germline): Likely pathogenic (1 of 4 stars; one submission).
ClinVar aggregate classification (oncogenicity): Likely oncogenic (1 of 4 stars; one submission).

Conditions:
Myeloproliferative neoplasm. Identifiers: Orphanet 98274, MedGen C1292778, MONDO:0020076.
Neoplasm. Also called: Neoplasms; Neoplasm (disease); tumor. Identifiers: MedGen C0027651, MeSH D009369, MONDO:0005070, HP:0002664.

Submissions (2):

Dept of Medical Biology, Uskudar University
Classification: Likely pathogenic for Myeloproliferative neoplasm. Last evaluated: 2026-09-16. Review status: criteria provided, single submitter. Criteria: Dept of Medical Biology Variant Classification. Collection method: research. Allele origin: unknown. Affected: yes. Observed: 1 variant allele.
Comment: PVS1_strong: frameshift in the last exon (exon 13), predicted to escape nonsense-mediated decay but to truncate the protein upstream of the carboxy-terminal PHD domain (PMID:30192042). PS3_supporting: truncating ASXL1 mutations promote myeloid transformation through loss of PRC2-mediated gene repression (PMID:22897849). PS4_supporting: reported in myeloid neoplasms (COSMIC COSM85923; classified as likely oncogenic in ClinVar, VCV004539539). PM1: mutational hotspot at the c.1927-c.1934 guanine homopolymer. Classified as likely pathogenic under the ACMG/AMP 2015 guidelines (PMID:25741868). Detected in a retrospective series of 256 BCR::ABL1-negative and JAK2 V617F-negative patients referred for molecular investigation of a suspected myeloproliferative neoplasm (May 2007 to January 2015) and re-interpreted under the ACMG/AMP 2015 criteria.

Center for Genomic Medicine, Rigshospitalet, Copenhagen University Hospital
Classification: Likely oncogenic for Neoplasm. Last evaluated: 2025-12-29. Review status: criteria provided, single submitter. Criteria: ClinGen/CGC/VICC Guidelines for Oncogenicity, 2022. Collection method: clinical testing. Allele origin: somatic. Affected: yes.

Literature cited by the submitters: PubMed 22897849 (cited by Dept of Medical Biology, Uskudar University); PubMed 26095772 (cited by Center for Genomic Medicine, Rigshospitalet, Copenhagen University Hospital); PubMed 30013160 (cited by Center for Genomic Medicine, Rigshospitalet, Copenhagen University Hospital).

NM_015338.6(ASXL1):c.1934del (p.Gly645fs)

Gene: ASXL1 (ASXL transcriptional regulator 1; plus strand). Cytogenetic location: 20q11.21.
Variant type: Deletion.
Coding change: c.1934del on transcript NM_015338.6 (MANE Select); coding-DNA position 1934, one base deleted (G; older notation c.1934delG).
Protein change: p.Gly645fs; shifts the reading frame from glycine 645.
Molecular consequence: frameshift variant.
Genome position (GRCh38, 1-based): chr20:32,434,646, G deleted; the last of 8 consecutive G bases (chr20:32,434,639-32,434,646); deleting any one gives the same sequence. VCF-style (leftmost placement, unchanged base first): chr20-32434638-AG-A. GRCh37 (hg19) VCF-style: chr20-31022441-AG-A.
Other names: c.1934delG (NM_015338.6); c.1751del, p.Gly584fs (NM_001363734.1); short protein forms G584fs, G645fs.
Identifiers: ClinVar variation 4539539 (VCV004539539.2).